The following is an entry in ClinVar:

NM_000238.4(KCNH2):c.2477C>T (p.Thr826Ile)

Gene: KCNH2 (potassium voltage-gated channel subfamily H member 2; minus strand). Cytogenetic location: 7q36.1.
Variant type: single nucleotide variant.
Coding change: c.2477C>T on transcript NM_000238.4 (MANE Select); coding-DNA position 2477, C replaced by T.
Protein change: p.Thr826Ile; replaces threonine 826 with isoleucine.
Molecular consequence: missense variant. On other transcripts: non-coding transcript variant (2).
Genome position (GRCh38, 1-based): chr7:150,948,971, G>A on the plus strand (C>T on the coding strand, the complement: KCNH2 is on the minus strand). VCF-style: chr7-150948971-G-A. GRCh37 (hg19) VCF-style: chr7-150646059-G-A.
Other names: p.T826I:ACC>ATC; c.2477C>T (LRG_288t1); c.2189C>T, p.Thr730Ile (NM_001406753.1); c.1457C>T, p.Thr486Ile (NM_172057.3); short protein forms T486I, T826I, T730I.
Identifiers: ClinVar variation 67403 (VCV000067403.4), dbSNP rs199473002, ClinGen allele CA006823.

ClinVar aggregate classification (germline): Pathogenic. Review status: criteria provided, single submitter (1 of 4 stars). 2 submissions from 2 submitters: Pathogenic (1). 1 of the submissions does not count toward it. Last evaluated 2013-06-12.

Conditions:
Familial long QT syndrome (RWS). Also called: Romano-Ward syndrome; VENTRICULAR FIBRILLATION WITH PROLONGED QT INTERVAL; Congenital long QT syndrome. Identifiers: Orphanet 768, MedGen C1141890, MONDO:0019171.

Allele frequency attached by ClinVar (database versions not stated): gnomAD exomes below 0.00001.

Submissions (2):

GeneDx
Classification: Pathogenic. Last evaluated: 2013-06-12. Review status: criteria provided, single submitter. Criteria: GeneDx Variant Classification (06012015). Collection method: clinical testing. Allele origin: germline. Affected: yes.
Comment: Thr826Ile results in a non-conservative amino acid substitution of a neutral, polar Threonine with a non-polar Isoleucine at a position that is conserved across species. Mutations in nearby residues (Val822Met, Arg823Trp, Arg835Trp) have been reported in association with LQTS, further supporting the functional importance of this region of the protein. Furthermore, the Thr826Ile mutation was not observed in approximately 6,500 individuals of European and African American ancestry in the NHLBI Exome Sequencing Project, indicating it is not a common benign variant in these populations. The variant is found in LQT panel(s).

Cardiovascular Biomedical Research Unit, Royal Brompton & Harefield NHS Foundation Trust
No classification provided. Condition: Familial long QT syndrome. Review status: no classification provided. Collection method: literature only. Allele origin: germline. Not counted in ClinVar's aggregate classification.
Comment: This variant has been reported as associated with Long QT syndrome in the following publications (PMID:20541041). This is a literature report, and does not necessarily reflect the clinical interpretation of the Imperial College / Royal Brompton Cardiovascular Genetics laboratory.

Literature cited by the submitters: PubMed 20541041 (cited by Cardiovascular Biomedical Research Unit, Royal Brompton & Harefield NHS Foundation Trust); PubMed 22581653 (cited by Cardiovascular Biomedical Research Unit, Royal Brompton & Harefield NHS Foundation Trust).